The following is an entry in ClinVar:

NM_019032.6(ADAMTSL4):c.608C>G (p.Pro203Arg)

Genes: ADAMTSL4 (ADAMTS like 4; plus strand), ADAMTSL4-AS2 (ADAMTSL4 antisense RNA 2; minus strand). Cytogenetic location: 1q21.2.
Variant type: single nucleotide variant.
Coding change: c.608C>G on transcript NM_019032.6 (MANE Select); coding-DNA position 608, C replaced by G.
Protein change: p.Pro203Arg; replaces proline 203 with arginine.
Molecular consequence: missense variant.
Genome position (GRCh38, 1-based): chr1:150,553,599, C>G. VCF-style: chr1-150553599-C-G. GRCh37 (hg19) VCF-style: chr1-150526075-C-G.
Other names: c.608C>G, p.Pro203Arg (NM_001288607.2, NM_001288608.2, NM_001378596.1 and 1 more transcripts); short protein forms P203R.
Identifiers: ClinVar variation 2058495 (VCV002058495.4), dbSNP rs2526605222, ClinGen allele CA342301465.

ClinVar aggregate classification (germline): Uncertain significance (1 of 4 stars; one submission).

Allele frequency attached by ClinVar (database versions not stated): gnomAD exomes below 0.00001.
gnomAD v4.1: 1 of 1,613,894 alleles (0.000062%); highest among the groups gnomAD compares: Non-Finnish European, 0.000085%; no homozygotes.

Submission:

Labcorp Genetics (formerly Invitae), Labcorp
Classification: Uncertain significance. Last evaluated: 2022-02-04. Review status: criteria provided, single submitter. Criteria: Invitae Variant Classification Sherloc (09022015). Collection method: clinical testing. Allele origin: germline.
Comment: In summary, the available evidence is currently insufficient to determine the role of this variant in disease. Therefore, it has been classified as a Variant of Uncertain Significance. Algorithms developed to predict the effect of missense changes on protein structure and function (SIFT, PolyPhen-2, Align-GVGD) all suggest that this variant is likely to be tolerated. This variant has not been reported in the literature in individuals affected with ADAMTSL4-related conditions. This variant is not present in population databases (gnomAD no frequency). This sequence change replaces proline, which is neutral and non-polar, with arginine, which is basic and polar, at codon 203 of the ADAMTSL4 protein (p.Pro203Arg).